The following is an entry in ClinVar:

ClinVar aggregate classification (germline): Likely pathogenic (1 of 4 stars; one submission).

Conditions:
SIM1-related disorder. Also called: SIM1-related condition; SIM1-related disorders.

Submission:

3billion
Classification: Likely pathogenic for SIM1-related disorder. Last evaluated: 2025-07-03. Review status: criteria provided, single submitter. Criteria: ACMG Guidelines, 2015. Collection method: clinical testing. Allele origin: germline. Affected: yes.
Comment: The variant is not observed in the gnomAD v4.1.0 dataset. Predicted Consequence/Location: Frameshift: predicted to result in a loss or disruption of normal protein function through nonsense-mediated decay (NMD) or protein truncation. Multiple pathogenic variants are reported downstream of the variant. Therefore, this variant is classified as Likely pathogenic according to the recommendation of ACMG/AMP guideline.

NM_005068.3(SIM1):c.165_166dup (p.Phe56fs)

Gene: SIM1 (SIM bHLH transcription factor 1; minus strand). Cytogenetic location: 6q16.3.
Variant type: Microsatellite.
Coding change: c.165_166dup on transcript NM_005068.3 (MANE Select); coding-DNA positions 165 to 166, 2 bases duplicated (GT; older notation c.165_166dupGT).
Protein change: p.Phe56fs; shifts the reading frame from phenylalanine 56.
Molecular consequence: frameshift variant.
Genome position (GRCh38, 1-based): chr6:100,463,303-100,463,304, AC duplicated on the plus strand (GT on the coding strand, the reverse complement: SIM1 is on the minus strand); duplicating any 2 consecutive bases within chr6:100,463,303-100,463,306 gives the same sequence; the c. name uses the placement nearest the transcript's 3' end. VCF-style (leftmost placement, unchanged base first): chr6-100463302-A-AAC. GRCh37 (hg19) VCF-style: chr6-100911178-A-AAC.
Other names: c.165_166dup, p.Phe56fs (NM_001374769.1); short protein forms F56fs.
Identifiers: ClinVar variation 4293796 (VCV004293796.2).
Genomic context (GRCh38, chr6:100,463,302, plus strand): 5'-AAATCCCCGGCCCCTTCTGCCTTTGAAATTCCATCTGGGCAAAGTCACTTACCTTCTGGG[A>AAC]ACACCACTCTCATTTTGAGATAGCTGGTCGTGAGTCTGATTATGGATGCTTTGTCCAGCT-3'